The following is an entry in ClinVar:

NM_001252024.2(TRPM1):c.3590A>C (p.Gln1197Pro)

Genes: TRPM1 (transient receptor potential cation channel subfamily M member 1; minus strand), LOC126862088 (BRD4-independent group 4 enhancer GRCh37_chr15:31318084-31319283; plus strand). Cytogenetic location: 15q13.3.
Variant type: single nucleotide variant.
Coding change: c.3590A>C on transcript NM_001252024.2 (MANE Select); coding-DNA position 3590, A replaced by C.
Protein change: p.Gln1197Pro; replaces glutamine 1197 with proline.
Molecular consequence: missense variant.
Genome position (GRCh38, 1-based): chr15:31,026,178, T>G on the plus strand (A>C on the coding strand, the complement: TRPM1 is on the minus strand). VCF-style: chr15-31026178-T-G. GRCh37 (hg19) VCF-style: chr15-31318381-T-G.
Other names: c.3641A>C, p.Gln1214Pro (NM_001252020.2); c.3524A>C, p.Gln1175Pro (NM_002420.6); short protein forms Q1197P, Q1175P, Q1214P.
Identifiers: ClinVar variation 1432725 (VCV001432725.5), dbSNP rs948369031, ClinGen allele CA267513668.

ClinVar aggregate classification (germline): Uncertain significance (1 of 4 stars; one submission).

gnomAD v4.1: 3 of 1,612,482 alleles (0.00019%); highest among the groups gnomAD compares: East Asian, 0.0045%; no homozygotes.

Submission:

Labcorp Genetics (formerly Invitae), Labcorp
Classification: Uncertain significance. Last evaluated: 2021-09-24. Review status: criteria provided, single submitter. Criteria: Invitae Variant Classification Sherloc (09022015). Collection method: clinical testing. Allele origin: germline.
Comment: This sequence change replaces glutamine with proline at codon 1175 of the TRPM1 protein (p.Gln1175Pro). The glutamine residue is highly conserved and there is a moderate physicochemical difference between glutamine and proline. This variant is not present in population databases (ExAC no frequency). This variant has not been reported in the literature in individuals with TRPM1-related conditions. Algorithms developed to predict the effect of missense changes on protein structure and function are either unavailable or do not agree on the potential impact of this missense change (SIFT: "Deleterious"; PolyPhen-2: "Benign"; Align-GVGD: "Class C15"). In summary, the available evidence is currently insufficient to determine the role of this variant in disease. Therefore, it has been classified as a Variant of Uncertain Significance.